The following is an entry in ClinVar:

ClinVar aggregate classification (germline): Benign/Likely benign. Review status: criteria provided, multiple submitters, no conflicts (2 of 4 stars). 7 submissions from 7 submitters: Benign (1); Likely benign (6). Last evaluated 2025-06-22.

Conditions:
Familial cancer of breast. Also called: BREAST CANCER, FAMILIAL; hereditary breast carcinoma; Hereditary breast cancer. Identifiers: Orphanet 227535, MedGen C0346153, MONDO:0016419, OMIM 114480. Disease mechanism: loss of function.
Hereditary cancer-predisposing syndrome. Also called: Neoplastic Syndromes, Hereditary; Tumor predisposition; Hereditary Cancer Syndrome; Hereditary neoplastic syndrome. Identifiers: Orphanet 140162, MedGen C0027672, MeSH D009386, MONDO:0015356.

Allele frequency attached by ClinVar (database versions not stated): gnomAD exomes below 0.00001 and 0.00001; gnomAD 0.00001; TOPMed 0.00001; ExAC 0.00002.
gnomAD v4.1: 7 of 1,613,852 alleles (0.00043%); highest among the groups gnomAD compares: Non-Finnish European, 0.00059%; no homozygotes.

Submissions (7):

Labcorp Genetics (formerly Invitae), Labcorp
Classification: Likely benign for Familial cancer of breast. Last evaluated: 2025-06-22. Review status: criteria provided, single submitter. Criteria: Invitae Variant Classification Sherloc (09022015). Collection method: clinical testing. Allele origin: germline.

Myriad Genetics, Inc.
Classification: Benign for Familial cancer of breast. Last evaluated: 2024-07-26. Review status: criteria provided, single submitter. Criteria: Myriad Autosomal Dominant, Autosomal Recessive and X-Linked Classification Criteria (2023). Collection method: clinical testing. Allele origin: unknown.
Comment: This variant is considered benign. This variant is a silent/synonymous amino acid change and it is not expected to impact splicing.

Sema4
Classification: Likely benign for Hereditary cancer-predisposing syndrome. Last evaluated: 2021-07-01. Review status: criteria provided, single submitter. Criteria: Sema4 Curation Guidelines. Collection method: curation. Allele origin: germline.

Women's Health and Genetics/Laboratory Corporation of America, LabCorp
Classification: Likely benign. Last evaluated: 2019-12-10. Review status: criteria provided, single submitter. Criteria: LabCorp Variant Classification Summary - May 2015. Collection method: clinical testing. Allele origin: germline.

GeneDx
Classification: Likely benign. Last evaluated: 2017-06-13. Review status: criteria provided, single submitter. Criteria: GeneDx Variant Classification (06012015). Collection method: clinical testing. Allele origin: germline. Affected: yes.
Comment: This variant is considered likely benign or benign based on one or more of the following criteria: it is a conservative change, it occurs at a poorly conserved position in the protein, it is predicted to be benign by multiple in silico algorithms, and/or has population frequency not consistent with disease.

Color Diagnostics, LLC DBA Color Health
Classification: Likely benign for Hereditary cancer-predisposing syndrome. Last evaluated: 2016-02-24. Review status: criteria provided, single submitter. Criteria: ACMG Guidelines, 2015. Collection method: clinical testing. Allele origin: germline.

Ambry Genetics
Classification: Likely benign for Hereditary cancer-predisposing syndrome. Last evaluated: 2015-09-26. Review status: criteria provided, single submitter. Criteria: Ambry Variant Classification Scheme 2023. Collection method: clinical testing. Allele origin: germline.

NM_000465.4(BARD1):c.1689G>A (p.Gly563=)

Gene: BARD1 (BRCA1 associated RING domain 1; minus strand). Cytogenetic location: 2q35.
Variant type: single nucleotide variant.
Coding change: c.1689G>A on transcript NM_000465.4 (MANE Select); coding-DNA position 1689, G replaced by A.
Protein change: p.Gly563=; no amino-acid change (glycine 563 retained).
Molecular consequence: synonymous variant. On other transcripts: non-coding transcript variant (3), intron variant (1).
Genome position (GRCh38, 1-based): chr2:214,745,843, C>T on the plus strand (G>A on the coding strand, the complement: BARD1 is on the minus strand). VCF-style: chr2-214745843-C-T. GRCh37 (hg19) VCF-style: chr2-215610567-C-T.
Other names: c.1632G>A, p.Gly544= (NM_001282543.2); c.336G>A, p.Gly112= (NM_001282545.2); c.279G>A, p.Gly93= (NM_001282548.2); c.365-15335G>A (NM_001282549.2).
Identifiers: ClinVar variation 234117 (VCV000234117.21), dbSNP rs762745326, ClinGen allele CA2090184.
Genomic context (GRCh38, chr2:214,745,843, plus strand): 5'-TTTCTGTTGTTCTGAAGACAGCCCACTGCCTATAAGTACAAGAGGTCCATCCCTACGCTG[C>T]CCAGTGTTCATCTGTTAATATAAAAGGAGATACCAGTGTTAAAAACATTAGACGACTAGA-3'
Protein context (NP_000456.2, residues 553-573): SASHCSVMNT[Gly563=]QRRDGPLVLI